The following is an entry in ClinVar:

NM_004415.4(DSP):c.5749C>T (p.Leu1917=)

Gene: DSP (desmoplakin; plus strand). Cytogenetic location: 6p24.3.
Variant type: single nucleotide variant.
Coding change: c.5749C>T on transcript NM_004415.4 (MANE Select); coding-DNA position 5749, C replaced by T.
Protein change: p.Leu1917=; no amino-acid change (leucine 1917 retained).
Molecular consequence: synonymous variant.
Genome position (GRCh38, 1-based): chr6:7,583,011, C>T. VCF-style: chr6-7583011-C-T. GRCh37 (hg19) VCF-style: chr6-7583244-C-T.
Other names: c.5749C>T (NM_004415.3); c.3952C>T, p.Leu1318= (NM_001008844.3); c.4420C>T, p.Leu1474= (NM_001319034.2).
Identifiers: ClinVar variation 744936 (VCV000744936.13), dbSNP rs936938713, ClinGen allele CA448715516.

ClinVar aggregate classification (germline): Likely benign. Review status: criteria provided, multiple submitters, no conflicts (2 of 4 stars). 4 submissions from 4 submitters: Likely benign (4). Last evaluated 2026-04-15.

Conditions:
DSP-related disorder. Also called: DSP-related disorders; DSP-related condition.
Arrhythmogenic right ventricular dysplasia 8 (ARVD8). Also called: Arrhythmogenic Right Ventricular Dysplasia/Cardiomyopathy 8; ARRHYTHMOGENIC RIGHT VENTRICULAR DYSPLASIA, FAMILIAL, 8; ARRHYTHMOGENIC RIGHT VENTRICULAR CARDIOMYOPATHY 8. Identifiers: MedGen C1843896, MONDO:0011831, OMIM 607450.
Arrhythmogenic cardiomyopathy with wooly hair and keratoderma. Also called: Arrhythmogenic cardiomyopathy with woolly hair and keratoderma; Carvajal syndrome; PALMOPLANTAR KERATODERMA WITH LEFT VENTRICULAR CARDIOMYOPATHY AND WOOLLY HAIR; Dilated cardiomyopathy with woolly hair and keratoderma. Identifiers: Orphanet 65282, MedGen C1854063, MONDO:0011581, OMIM 605676.
Cardiovascular phenotype. Identifiers: MedGen CN230736.
Cardiomyopathy (CMYO). Also called: Cardiomyopathies. Identifiers: Orphanet 167848, MedGen C0878544, MONDO:0004994, HP:0001638. Inheritance: Various modes of inheritance.

Allele frequency attached by ClinVar (database versions not stated): gnomAD exomes 0.00001 and 0.00003; TOPMed 0.00002.
gnomAD v4.1: 40 of 1,613,962 alleles (0.0025%); highest among the groups gnomAD compares: Non-Finnish European, 0.0033%; no homozygotes.

Submissions (4):

PreventionGenetics, part of Exact Sciences
Classification: Likely benign for DSP-related condition. Last evaluated: 2026-04-15. Review status: criteria provided, single submitter. Criteria: ACMG Guidelines, 2015. Collection method: clinical testing. Allele origin: germline.
Comment: This variant is classified as likely benign based on ACMG/AMP sequence variant interpretation guidelines (Richards et al. 2015 PMID: 25741868, with internal and published modifications).

Labcorp Genetics (formerly Invitae), Labcorp
Classification: Likely benign for Arrhythmogenic cardiomyopathy with wooly hair and keratoderma; Arrhythmogenic right ventricular dysplasia 8. Last evaluated: 2025-11-24. Review status: criteria provided, single submitter. Criteria: Invitae Variant Classification Sherloc (09022015). Collection method: clinical testing. Allele origin: germline.

Ambry Genetics
Classification: Likely benign for Cardiovascular phenotype. Last evaluated: 2025-04-30. Review status: criteria provided, single submitter. Criteria: Ambry Variant Classification Scheme 2023. Collection method: clinical testing. Allele origin: germline.

Color Diagnostics, LLC DBA Color Health
Classification: Likely benign for Cardiomyopathy. Last evaluated: 2020-01-15. Review status: criteria provided, single submitter. Criteria: ACMG Guidelines, 2015. Collection method: clinical testing. Allele origin: germline.